The following is an entry in ClinVar:

ClinVar aggregate classification (germline): Pathogenic (1 of 4 stars; one submission).

Conditions:
Hereditary cancer-predisposing syndrome. Also called: Neoplastic Syndromes, Hereditary; Tumor predisposition; Hereditary Cancer Syndrome; Hereditary neoplastic syndrome. Identifiers: Orphanet 140162, MedGen C0027672, MeSH D009386, MONDO:0015356.
Cardiovascular phenotype. Identifiers: MedGen CN230736.

Submission:

Ambry Genetics
Classification: Pathogenic for Cardiovascular phenotype; Hereditary cancer-predisposing syndrome. Last evaluated: 2022-08-25. Review status: criteria provided, single submitter. Criteria: Ambry Variant Classification Scheme 2023. Collection method: clinical testing. Allele origin: germline.
Comment: The c.7865_7866insGT pathogenic mutation, located in coding exon 53 of the NF1 gene, results from an insertion of two nucleotides at position 7865, causing a translational frameshift with a predicted alternate stop codon (p.A2623*). This alteration is expected to result in loss of function by premature protein truncation or nonsense-mediated mRNA decay. As such, this alteration is interpreted as a disease-causing mutation.

NM_001042492.3(NF1):c.7928_7929insGT (p.Leu2643_Ala2644insTer)

Gene: NF1 (neurofibromin 1; plus strand). Cytogenetic location: 17q11.2.
Variant type: Insertion.
Coding change: c.7928_7929insGT on transcript NM_001042492.3 (MANE Select); coding-DNA positions 7928 to 7929, GT inserted.
Protein change: p.Leu2643_Ala2644insTer.
Molecular consequence: frameshift variant. On other transcripts: nonsense (1).
Genome position: GRCh38 VCF-style: chr17-31357326-T-TTG. GRCh37 (hg19) VCF-style: chr17-29684344-T-TTG.
Other names: c.7865_7866insGT, p.Ala2623Terfs (NM_000267.4).
Identifiers: ClinVar variation 1760932 (VCV001760932.2), dbSNP rs2508830135, ClinGen allele CA2580093474.